The following is an entry in ClinVar:

ClinVar aggregate classification (germline): Likely benign. Review status: criteria provided, multiple submitters, no conflicts (2 of 4 stars). 4 submissions from 4 submitters: Likely benign (4). Last evaluated 2025-11-27.

Conditions:
Hereditary cancer-predisposing syndrome. Also called: Neoplastic Syndromes, Hereditary; Hereditary Cancer Syndrome; Tumor predisposition; Hereditary neoplastic syndrome. Identifiers: Orphanet 140162, MedGen C0027672, MeSH D009386, MONDO:0015356.
Ataxia-telangiectasia syndrome (AT). Also called: LOUIS-BAR SYNDROME; Cerebello-oculocutaneous telangiectasia; Immunodeficiency with ataxia telangiectasia; Ataxia-telangiectasia, complementation group D; AT, COMPLEMENTATION GROUP C; Ataxia-telangiectasia, complementation group E. Identifiers: Orphanet 100, MedGen C0004135, MONDO:0008840, OMIM 208900.

Allele frequency attached by ClinVar (database versions not stated): gnomAD exomes below 0.00001.
gnomAD v4.1: 6 of 1,612,922 alleles (0.00037%); highest among the groups gnomAD compares: Non-Finnish European, 0.00051%; no homozygotes.

Submissions (4):

Labcorp Genetics (formerly Invitae), Labcorp
Classification: Likely benign for Ataxia-telangiectasia syndrome. Last evaluated: 2025-11-27. Review status: criteria provided, single submitter. Criteria: Invitae Variant Classification Sherloc (09022015). Collection method: clinical testing. Allele origin: germline.

Color Diagnostics, LLC DBA Color Health
Classification: Likely benign for Hereditary cancer-predisposing syndrome. Last evaluated: 2024-06-13. Review status: criteria provided, single submitter. Criteria: ACMG Guidelines, 2015. Collection method: clinical testing. Allele origin: germline.

Ambry Genetics
Classification: Likely benign for Hereditary cancer-predisposing syndrome. Last evaluated: 2019-03-11. Review status: criteria provided, single submitter. Criteria: Ambry Variant Classification Scheme 2023. Collection method: clinical testing. Allele origin: germline.

GeneDx
Classification: Likely benign. Last evaluated: 2016-10-25. Review status: criteria provided, single submitter. Criteria: GeneDx Variant Classification (06012015). Collection method: clinical testing. Allele origin: germline. Affected: yes.
Comment: This variant is considered likely benign or benign based on one or more of the following criteria: it is a conservative change, it occurs at a poorly conserved position in the protein, it is predicted to be benign by multiple in silico algorithms, and/or has population frequency not consistent with disease.

NM_000051.4(ATM):c.5763A>G (p.Arg1921=)

Genes: ATM (ATM serine/threonine kinase; plus strand), C11orf65 (chromosome 11 open reading frame 65; minus strand). Cytogenetic location: 11q22.3.
Variant type: single nucleotide variant.
Coding change: c.5763A>G on transcript NM_000051.4 (MANE Select); coding-DNA position 5763, A replaced by G.
Protein change: p.Arg1921=; no amino-acid change (arginine 1921 retained).
Molecular consequence: synonymous variant. On other transcripts: intron variant (2).
Genome position (GRCh38, 1-based): chr11:108,310,160, A>G. VCF-style: chr11-108310160-A-G. GRCh37 (hg19) VCF-style: chr11-108180887-A-G.
Other names: c.5763A>G, p.Arg1921= (NM_001351834.2); c.641-1089T>C (NM_001330368.2); c.*39-1089T>C (NM_001351110.2).
Identifiers: ClinVar variation 390476 (VCV000390476.17), dbSNP rs1057523784, ClinGen allele CA16606104.